The following is an entry in ClinVar:

NM_020208.4(SLC6A20):c.*3436C>T

Gene: SLC6A20 (solute carrier family 6 member 20; minus strand). Cytogenetic location: 3p21.31.
Variant type: single nucleotide variant.
Coding change: c.*3436C>T on transcript NM_020208.4 (MANE Select); 3436 bases downstream of the stop codon, C replaced by T.
Molecular consequence: 3 prime UTR variant.
Genome position (GRCh38, 1-based): chr3:45,755,542, G>A on the plus strand (C>T on the coding strand, the complement: SLC6A20 is on the minus strand). VCF-style: chr3-45755542-G-A. GRCh37 (hg19) VCF-style: chr3-45797034-G-A.
Other names: c.*3436C>T (NM_022405.4).
Identifiers: ClinVar variation 345342 (VCV000345342.5), dbSNP rs569114783, ClinGen allele CA10615929.

ClinVar aggregate classification (germline): Likely benign (1 of 4 stars; one submission).

Conditions:
Hyperglycinuria. Also called: GLYCINURIA WITH OR WITHOUT OXALATE NEPHROLITHIASIS; GLYCINURIA WITH OR WITHOUT OXALATE UROLITHIASIS; IMINOGLYCINURIA TYPE II. Identifiers: MedGen C0543541, MONDO:0007677, OMIM 138500, HP:0003108.

Allele frequency attached by ClinVar (database versions not stated): 1000 Genomes Project 0.00040; 1000 Genomes Project 30x 0.00062; TOPMed 0.00074.

Submission:

Illumina Laboratory Services, Illumina
Classification: Likely benign for Hyperglycinuria. Last evaluated: 2018-01-12. Review status: criteria provided, single submitter. Criteria: ICSL Variant Classification Criteria 13 December 2019. Collection method: clinical testing. Allele origin: germline.
Comment: This variant was observed in the ICSL laboratory as part of a predisposition screen in an ostensibly healthy population. It had not been previously curated by ICSL or reported in the Human Gene Mutation Database (HGMD: prior to June 1st, 2018), and was therefore a candidate for classification through an automated scoring system. Utilizing variant allele frequency, disease prevalence and penetrance estimates, and inheritance mode, an automated score was calculated to assess if this variant is too frequent to cause the disease. Based on the score and internal cut-off values, a variant classified as likely benign is not then subjected to further curation. The score for this variant resulted in a classification of likely benign for this disease.